The following is an entry in ClinVar:

NM_001206744.2(TPO):c.2714C>A (p.Ser905Ter)

Genes: LALTOP (lung cancer associated lncRNA targeting TOP2A; minus strand), TPO (thyroid peroxidase; plus strand), LOC126806104 (CDK7 strongly-dependent group 2 enhancer GRCh37_chr2:1544276-1545475; plus strand). Cytogenetic location: 2p25.3.
Variant type: single nucleotide variant.
Coding change: c.2714C>A on transcript NM_001206744.2 (MANE Select); coding-DNA position 2714, C replaced by A.
Protein change: p.Ser905Ter; replaces serine 905 with a stop codon.
Molecular consequence: nonsense.
Genome position (GRCh38, 1-based): chr2:1,540,689, C>A. VCF-style: chr2-1540689-C-A. GRCh37 (hg19) VCF-style: chr2-1544461-C-A.
Other names: c.2714C>A, p.Ser905Ter (NM_000547.6); c.2543C>A, p.Ser848Ter (NM_001206745.2, NM_175719.4); c.2582C>A, p.Ser861Ter (NM_175721.3); c.2195C>A, p.Ser732Ter (NM_175722.3); short protein forms S732*, S848*, S861*, S905*.
Identifiers: ClinVar variation 4071620 (VCV004071620.1).

ClinVar aggregate classification (germline): Likely pathogenic (1 of 4 stars; one submission).

gnomAD v4.1: 7 of 1,613,268 alleles (0.00043%); highest among the groups gnomAD compares: Non-Finnish European, 0.00059%; no homozygotes.

Submission:

GeneDx
Classification: Likely pathogenic. Last evaluated: 2025-01-24. Review status: criteria provided, single submitter. Criteria: GeneDx Variant Classification Process June 2021. Collection method: clinical testing. Allele origin: germline. Affected: yes.
Comment: Nonsense variant predicted to result in protein truncation, as the last 29 amino acids are lost, and other loss-of-function variants have been reported downstream in HGMD; Not observed at significant frequency in large population cohorts (gnomAD); Has not been previously published as pathogenic or benign to our knowledge